The following is an entry in ClinVar:

ClinVar aggregate classification (germline): Pathogenic. Review status: criteria provided, multiple submitters, no conflicts (2 of 4 stars). 3 submissions from 3 submitters: Pathogenic (3). Last evaluated 2023-09-12.

Conditions:
Hereditary cancer-predisposing syndrome. Also called: Hereditary neoplastic syndrome; Neoplastic Syndromes, Hereditary; Tumor predisposition; Hereditary Cancer Syndrome. Identifiers: Orphanet 140162, MedGen C0027672, MeSH D009386, MONDO:0015356.
Familial cancer of breast. Also called: BREAST CANCER, FAMILIAL; Hereditary breast cancer; hereditary breast carcinoma. Identifiers: Orphanet 227535, MedGen C0346153, MONDO:0016419, OMIM 114480. Disease mechanism: loss of function.

Submissions (3):

Myriad Genetics, Inc.
Classification: Pathogenic for Familial cancer of breast. Last evaluated: 2023-09-12. Review status: criteria provided, single submitter. Criteria: Myriad Autosomal Dominant, Autosomal Recessive and X-Linked Classification Criteria (2023). Collection method: clinical testing. Allele origin: unknown.
Comment: This variant is considered pathogenic. This variant creates a termination codon and is predicted to result in premature protein truncation.

Ambry Genetics
Classification: Pathogenic for Hereditary cancer-predisposing syndrome. Last evaluated: 2021-12-01. Review status: criteria provided, single submitter. Criteria: Ambry Variant Classification Scheme 2023. Collection method: clinical testing. Allele origin: germline.
Comment: The p.S689* pathogenic mutation (also known as c.2066C>A), located in coding exon 5 of the PALB2 gene, results from a C to A substitution at nucleotide position 2066. This changes the amino acid from a serine to a stop codon within coding exon 5. This variant is considered to be rare based on population cohorts in the Genome Aggregation Database (gnomAD). This alteration is expected to result in loss of function by premature protein truncation or nonsense-mediated mRNA decay. As such, this alteration is interpreted as a disease-causing mutation.

GeneDx
Classification: Pathogenic. Last evaluated: 2015-11-09. Review status: criteria provided, single submitter. Criteria: GeneDx Variant Classification (06012015). Collection method: clinical testing. Allele origin: germline. Affected: yes.
Comment: This pathogenic variant is denoted PALB2 c.2066C>A at the cDNA level and p.Ser689Ter (S689X) at the protein level. The substitution creates a nonsense variant, which changes a Serine to a premature stop codon (TCG>TAG), and is predicted to cause loss of normal protein function through either protein truncation or nonsense-mediated mRNA decay. Although this variant has not, to our knowledge, been reported in the literature, it is considered pathogenic.

NM_024675.4(PALB2):c.2066C>A (p.Ser689Ter)

Gene: PALB2 (partner and localizer of BRCA2; minus strand). Cytogenetic location: 16p12.2.
Variant type: single nucleotide variant.
Coding change: c.2066C>A on transcript NM_024675.4 (MANE Select); coding-DNA position 2066, C replaced by A.
Protein change: p.Ser689Ter; replaces serine 689 with a stop codon.
Molecular consequence: nonsense.
Genome position (GRCh38, 1-based): chr16:23,630,088, G>T on the plus strand (C>A on the coding strand, the complement: PALB2 is on the minus strand). VCF-style: chr16-23630088-G-T. GRCh37 (hg19) VCF-style: chr16-23641409-G-T.
Other names: short protein forms S689*.
Identifiers: ClinVar variation 246056 (VCV000246056.5), dbSNP rs749602688, ClinGen allele CA10584512.
Genomic context (GRCh38, chr16:23,630,088, plus strand): 5'-TTTAAAGGAGTATAAAGTAATATGGATGAAGAAAGGCCCGTCTTTGTATGCTGGCTTTGC[G>T]AGTTTGGCCTTTTGGGATGTGATTTTCCTGGTAGAACAATAAGGTCCTCTTCTAAGTCCT-3'